The following is an entry in ClinVar:

ClinVar aggregate classification (germline): Pathogenic (1 of 4 stars; one submission).

Conditions:
Familial thoracic aortic aneurysm and aortic dissection (TAAD). Also called: Thoracic aortic aneurysms and dissections. Identifiers: Orphanet 91387, MedGen C4707243, MONDO:0019625.
Marfan syndrome (MFS). Also called: Marfan syndrome type 1; Marfan syndrome, classic; Marfan's syndrome; FBN1-Related Marfan Syndrome; MARFAN SYNDROME, TYPE I. Identifiers: Orphanet 284963, Orphanet 558, MedGen C0024796, MONDO:0007947, OMIM 154700.

Submission:

Labcorp Genetics (formerly Invitae), Labcorp
Classification: Pathogenic for Marfan syndrome; Familial thoracic aortic aneurysm and aortic dissection. Last evaluated: 2022-07-12. Review status: criteria provided, single submitter. Criteria: Invitae Variant Classification Sherloc (09022015). Collection method: clinical testing. Allele origin: germline.
Comment: Advanced modeling of protein sequence and biophysical properties (such as structural, functional, and spatial information, amino acid conservation, physicochemical variation, residue mobility, and thermodynamic stability) performed at Invitae indicates that this missense variant is expected to disrupt FBN1 protein function. ClinVar contains an entry for this variant (Variation ID: 527218). This missense change has been observed in individuals with clinical features of Marfan syndrome (Invitae). This variant is not present in population databases (gnomAD no frequency). This sequence change replaces cysteine, which is neutral and slightly polar, with tyrosine, which is neutral and polar, at codon 1658 of the FBN1 protein (p.Cys1658Tyr). This variant affects a cysteine residue in the EGF-like, TGFBP or hybrid motif domains of FBN1. Cysteine residues are believed to be involved in intramolecular disulfide bridges and have been shown to be important for FBN1 protein structure (PMID: 16905551, 19349279). In addition, missense substitutions affecting cysteine residues within these domains are significantly overrepresented among patients with Marfan syndrome (PMID: 16571647, 17701892). For these reasons, this variant has been classified as Pathogenic.

Literature cited by the submitters: PubMed 16905551; PubMed 19349279; PubMed 16571647; PubMed 17701892.

NM_000138.5(FBN1):c.4973G>A (p.Cys1658Tyr)

Gene: FBN1 (fibrillin 1; minus strand). Cytogenetic location: 15q21.1.
Variant type: single nucleotide variant.
Coding change: c.4973G>A on transcript NM_000138.5 (MANE Select); coding-DNA position 4973, G replaced by A.
Protein change: p.Cys1658Tyr; replaces cysteine 1658 with tyrosine.
Molecular consequence: missense variant.
Genome position (GRCh38, 1-based): chr15:48,463,991, C>T on the plus strand (G>A on the coding strand, the complement: FBN1 is on the minus strand). VCF-style: chr15-48463991-C-T. GRCh37 (hg19) VCF-style: chr15-48756188-C-T.
Other names: short protein forms C1658Y.
Identifiers: ClinVar variation 527218 (VCV000527218.8), dbSNP rs1555396859, ClinGen allele CA392350335.
Genomic context (GRCh38, chr15:48,463,991, plus strand): 5'-TAGTCTGGAGGACAGATACAGGTGTAGTTGCCAACGGTGTTGTAACATGTCCCTGGACCA[C>T]AGATTCCAGGAGTCTCACATTCATTCACATCTATAATCCAAAGAGAAAGTGGTATGTGAA-3'
Protein context (NP_000129.3, residues 1648-1668): DVNECETPGI[Cys1658Tyr]GPGTCYNTVG